The following is an entry in ClinVar:

NM_001174147.2(LMX1B):c.161C>T (p.Ala54Val)

Gene: LMX1B (LIM homeobox transcription factor 1 beta; plus strand). Cytogenetic location: 9q33.3.
Variant type: single nucleotide variant.
Coding change: c.161C>T on transcript NM_001174147.2 (MANE Select); coding-DNA position 161, C replaced by T.
Protein change: p.Ala54Val; replaces alanine 54 with valine.
Molecular consequence: missense variant.
Genome position (GRCh38, 1-based): chr9:126,615,404, C>T. VCF-style: chr9-126615404-C-T. GRCh37 (hg19) VCF-style: chr9-129377683-C-T.
Other names: c.161C>T (NM_002316.3); c.161C>T, p.Ala54Val (NM_001174146.2, NM_002316.4); short protein forms A54V.
Identifiers: ClinVar variation 3714657 (VCV003714657.3).

ClinVar aggregate classification (germline): Uncertain significance. Review status: criteria provided, multiple submitters, no conflicts (2 of 4 stars). 2 submissions from 2 submitters: Uncertain significance (2). Last evaluated 2025-08-11.

Conditions:
Inborn genetic diseases. Identifiers: MedGen C0950123, MeSH D030342.

Submissions (2):

Ambry Genetics
Classification: Uncertain significance for Inborn genetic diseases. Last evaluated: 2025-08-11. Review status: criteria provided, single submitter. Criteria: Ambry Variant Classification Scheme 2023. Collection method: clinical testing. Allele origin: germline.

Labcorp Genetics (formerly Invitae), Labcorp
Classification: Uncertain significance. Last evaluated: 2024-09-15. Review status: criteria provided, single submitter. Criteria: Invitae Variant Classification Sherloc (09022015). Collection method: clinical testing. Allele origin: germline.
Comment: This sequence change replaces alanine, which is neutral and non-polar, with valine, which is neutral and non-polar, at codon 54 of the LMX1B protein (p.Ala54Val). This variant is present in population databases (rs371819068, gnomAD 0.0009%). This variant has not been reported in the literature in individuals affected with LMX1B-related conditions. Invitae Evidence Modeling of protein sequence and biophysical properties (such as structural, functional, and spatial information, amino acid conservation, physicochemical variation, residue mobility, and thermodynamic stability) indicates that this missense variant is not expected to disrupt LMX1B protein function with a negative predictive value of 80%. In summary, the available evidence is currently insufficient to determine the role of this variant in disease. Therefore, it has been classified as a Variant of Uncertain Significance.